The following is an entry in ClinVar:

NM_024312.5(GNPTAB):c.2731A>T (p.Lys911Ter)

Gene: GNPTAB (N-acetylglucosamine-1-phosphate transferase subunits alpha and beta; minus strand). Cytogenetic location: 12q23.2.
Variant type: single nucleotide variant.
Coding change: c.2731A>T on transcript NM_024312.5 (MANE Select); coding-DNA position 2731, A replaced by T.
Protein change: p.Lys911Ter; replaces lysine 911 with a stop codon.
Molecular consequence: nonsense.
Genome position (GRCh38, 1-based): chr12:101,761,748, T>A on the plus strand (A>T on the coding strand, the complement: GNPTAB is on the minus strand). VCF-style: chr12-101761748-T-A. GRCh37 (hg19) VCF-style: chr12-102155526-T-A.
Other names: short protein forms K911*.
Identifiers: ClinVar variation 983858 (VCV000983858.4), dbSNP rs1953000660, ClinGen allele CA386296486.

ClinVar aggregate classification (germline): Likely pathogenic (1 of 4 stars; one submission).

Conditions:
GNPTAB-mucolipidosis. Also called: UDP-N-acetylglucosamine-1-phosphotransferase subunit alpha/beta deficiency. Identifiers: MedGen CN322573, MONDO:0100122.

Submission:

Myriad Genetics, Inc.
Classification: Likely pathogenic for GNPTAB-mucolipidosis. Last evaluated: 2019-06-14. Review status: criteria provided, single submitter. Criteria: Myriad Autosomal Dominant, Autosomal Recessive and X-Linked Classification Criteria (2023). Collection method: clinical testing. Allele origin: unknown.
Comment: NM_024312.4(GNPTAB):c.2731A>T(K911*) is expected to be pathogenic in the context of GNPTAB-related disorders. This variant is predicted to lead to an abnormal or absent protein product due to the creation of a premature termination codon in GNPTAB, a gene where loss-of-function variants are known to be pathogenic. Please note: this variant was assessed in the context of healthy population screening.